The following is an entry in ClinVar:

ClinVar aggregate classification (germline): Uncertain significance (1 of 4 stars; one submission).

Conditions:
Inborn genetic diseases. Identifiers: MedGen C0950123, MeSH D030342.

Submission:

Ambry Genetics
Classification: Uncertain significance for Inborn genetic diseases. Last evaluated: 2025-02-26. Review status: criteria provided, single submitter. Criteria: Ambry Variant Classification Scheme 2023. Collection method: clinical testing. Allele origin: germline.
Comment: The p.A1011P variant (also known as c.3031G>C), located in coding exon 30 of the RTEL1 gene, results from a G to C substitution at nucleotide position 3031. The alanine at codon 1011 is replaced by proline, an amino acid with highly similar properties. This amino acid position is conserved. In addition, this alteration is predicted to be tolerated by in silico analysis. Based on the available evidence, the clinical significance of this variant remains unclear.

NM_001283009.2(RTEL1):c.3031G>C (p.Ala1011Pro)

Genes: RTEL1 (regulator of telomere elongation helicase 1; plus strand), RTEL1-TNFRSF6B (RTEL1-TNFRSF6B readthrough (NMD candidate); plus strand). Cytogenetic location: 20q13.33.
Variant type: single nucleotide variant.
Coding change: c.3031G>C on transcript NM_001283009.2 (MANE Select); coding-DNA position 3031, G replaced by C.
Protein change: p.Ala1011Pro; replaces alanine 1011 with proline.
Molecular consequence: missense variant. On other transcripts: non-coding transcript variant (1).
Genome position (GRCh38, 1-based): chr20:63,694,410, G>C. VCF-style: chr20-63694410-G-C. GRCh37 (hg19) VCF-style: chr20-62325763-G-C.
Other names: c.2362G>C, p.Ala788Pro (NM_001283010.1); c.3031G>C, p.Ala1011Pro (NM_016434.4); c.3103G>C, p.Ala1035Pro (NM_032957.5); short protein forms A788P, A1011P, A1035P.
Identifiers: ClinVar variation 3791183 (VCV003791183.1).